The following is an entry in ClinVar:

NM_033026.6(PCLO):c.5985T>G (p.Leu1995=)

Gene: PCLO (piccolo presynaptic cytomatrix protein; minus strand). Cytogenetic location: 7q21.11.
Variant type: single nucleotide variant.
Coding change: c.5985T>G on transcript NM_033026.6 (MANE Select); coding-DNA position 5985, T replaced by G.
Protein change: p.Leu1995=; no amino-acid change (leucine 1995 retained).
Molecular consequence: synonymous variant.
Genome position (GRCh38, 1-based): chr7:82,954,968, A>C on the plus strand (T>G on the coding strand, the complement: PCLO is on the minus strand). VCF-style: chr7-82954968-A-C. GRCh37 (hg19) VCF-style: chr7-82584284-A-C.
Other names: c.5985T>G, p.Leu1995= (NM_014510.3); c.5985T>G (NM_033026.5).
Identifiers: ClinVar variation 1617005 (VCV001617005.12), dbSNP rs766498418, ClinGen allele CA4320549.

ClinVar aggregate classification (germline): Likely benign. Review status: criteria provided, multiple submitters, no conflicts (2 of 4 stars). 4 submissions from 4 submitters: Likely benign (3). 1 of the submissions does not count toward it. Last evaluated 2025-09-29.

Conditions:
PCLO-related disorder. Also called: PCLO-related condition.

Allele frequency attached by ClinVar (database versions not stated): gnomAD 0.00001; TOPMed 0.00006.
gnomAD v4.1: 67 of 1,613,678 alleles (0.0042%); highest among the groups gnomAD compares: Middle Eastern, 0.049%; no homozygotes.

Submissions (4):

Labcorp Genetics (formerly Invitae), Labcorp
Classification: Likely benign. Last evaluated: 2025-09-29. Review status: criteria provided, single submitter. Criteria: Invitae Variant Classification Sherloc (09022015). Collection method: clinical testing. Allele origin: germline.

Blueprint Genetics
Classification: Likely benign. Last evaluated: 2024-09-24. Review status: criteria provided, single submitter. Criteria: ACMG Guidelines, 2015. Collection method: clinical testing. Allele origin: germline.

Breakthrough Genomics
Classification: Likely benign. Review status: criteria provided, single submitter. Criteria: ACMG Guidelines, 2015. Collection method: not provided. Allele origin: germline. Inheritance: Autosomal recessive inheritance. Affected: yes.

PreventionGenetics, part of Exact Sciences
Classification: Likely benign for PCLO-related condition. Last evaluated: 2019-07-02. Review status: no assertion criteria provided. Collection method: clinical testing. Allele origin: germline. Not counted in ClinVar's aggregate classification.
Comment: This variant is classified as likely benign based on ACMG/AMP sequence variant interpretation guidelines (Richards et al. 2015 PMID: 25741868, with internal and published modifications).